The following is an entry in ClinVar:

ClinVar aggregate classification (germline): Uncertain significance (1 of 4 stars; one submission).

Allele frequency attached by ClinVar (database versions not stated): gnomAD 0.00003; TOPMed 0.00006.
gnomAD v4.1: 166 of 1,614,072 alleles (0.01%); highest among the groups gnomAD compares: Non-Finnish European, 0.012%; no homozygotes.

Submission:

Labcorp Genetics (formerly Invitae), Labcorp
Classification: Uncertain significance. Last evaluated: 2022-11-15. Review status: criteria provided, single submitter. Criteria: Invitae Variant Classification Sherloc (09022015). Collection method: clinical testing. Allele origin: germline.
Comment: In summary, the available evidence is currently insufficient to determine the role of this variant in disease. Therefore, it has been classified as a Variant of Uncertain Significance. Algorithms developed to predict the effect of missense changes on protein structure and function output the following: SIFT: "Tolerated"; PolyPhen-2: "Benign"; Align-GVGD: "Class C0". The serine amino acid residue is found in multiple mammalian species, which suggests that this missense change does not adversely affect protein function. This variant has not been reported in the literature in individuals affected with MACF1-related conditions. This variant is present in population databases (rs201099014, gnomAD 0.02%). This sequence change replaces asparagine, which is neutral and polar, with serine, which is neutral and polar, at codon 2599 of the MACF1 protein (p.Asn2599Ser).

NM_001394062.1(MACF1):c.13982A>G (p.Asn4661Ser)

Gene: MACF1 (microtubule actin crosslinking factor 1; plus strand). Cytogenetic location: 1p34.3.
Variant type: single nucleotide variant.
Coding change: c.13982A>G on transcript NM_001394062.1 (MANE Select); coding-DNA position 13982, A replaced by G.
Protein change: p.Asn4661Ser; replaces asparagine 4661 with serine.
Molecular consequence: missense variant.
Genome position (GRCh38, 1-based): chr1:39,385,567, A>G. VCF-style: chr1-39385567-A-G. GRCh37 (hg19) VCF-style: chr1-39851239-A-G.
Other names: c.7796A>G, p.Asn2599Ser (NM_012090.5); short protein forms N2599S, N4661S.
Identifiers: ClinVar variation 3000786 (VCV003000786.3), dbSNP rs201099014, ClinGen allele CA782167.